The following is an entry in ClinVar:

NM_001145809.2(MYH14):c.192G>T (p.Gly64=)

Gene: MYH14 (myosin heavy chain 14; plus strand). Cytogenetic location: 19q13.33.
Variant type: single nucleotide variant.
Coding change: c.192G>T on transcript NM_001145809.2 (MANE Select); coding-DNA position 192, G replaced by T.
Protein change: p.Gly64=; no amino-acid change (glycine 64 retained).
Molecular consequence: synonymous variant.
Genome position (GRCh38, 1-based): chr19:50,210,557, G>T. VCF-style: chr19-50210557-G-T. GRCh37 (hg19) VCF-style: chr19-50713814-G-T.
Other names: p.Gly64=; c.192G>T, p.Gly64= (NM_001077186.2, NM_024729.4).
Identifiers: ClinVar variation 44052 (VCV000044052.56), dbSNP rs181055215, ClinGen allele CA133468.

ClinVar aggregate classification (germline): Benign/Likely benign. Review status: criteria provided, multiple submitters, no conflicts (2 of 4 stars). 14 submissions from 14 submitters: Benign (8); Likely benign (4). 2 of the submissions do not count toward it. Last evaluated 2026-06-01.

Conditions:
Autosomal dominant nonsyndromic hearing loss 4A. Also called: Deafness, autosomal dominant 4A. Identifiers: Orphanet 90635, MedGen C1833503, MONDO:0010915, OMIM 600652.

Allele frequency attached by ClinVar (database versions not stated): 1000 Genomes Project 30x 0.00016; ESP Exome Variant Server 0.00189; TOPMed 0.00265; ExAC 0.00480.
gnomAD v4.1: 6,501 of 1,582,576 alleles (0.41%); highest among the groups gnomAD compares: Non-Finnish European, 0.52%; 15 homozygotes.

Submissions (14):

CeGaT Center for Human Genetics Tuebingen
Classification: Benign. Last evaluated: 2026-06-01. Review status: criteria provided, single submitter. Criteria: CeGaT Center For Human Genetics Tuebingen Variant Classification Criteria Version 2. Collection method: clinical testing. Allele origin: germline. Affected: yes. Observed: 8 variant alleles.
Comment: MYH14: BP4, BP7, BS1, BS2

Labcorp Genetics (formerly Invitae), Labcorp
Classification: Benign. Last evaluated: 2025-12-02. Review status: criteria provided, single submitter. Criteria: Invitae Variant Classification Sherloc (09022015). Collection method: clinical testing. Allele origin: germline.

Blueprint Genetics
Classification: Likely benign. Last evaluated: 2024-11-28. Review status: criteria provided, single submitter. Criteria: ACMG Guidelines, 2015. Collection method: clinical testing. Allele origin: germline.

ARUP Laboratories, Molecular Genetics and Genomics, ARUP Laboratories
Classification: Benign. Last evaluated: 2021-03-13. Review status: criteria provided, single submitter. Criteria: ARUP Molecular Germline Variant Investigation Process 2021. Collection method: clinical testing. Allele origin: germline.

GeneDx
Classification: Likely benign. Last evaluated: 2020-11-19. Review status: criteria provided, single submitter. Criteria: GeneDx Variant Classification Process June 2021. Collection method: clinical testing. Allele origin: germline. Affected: yes.

Mayo Clinic Laboratories, Mayo Clinic
Classification: Benign. Last evaluated: 2019-08-05. Review status: criteria provided, single submitter. Criteria: ACMG Guidelines, 2015. Collection method: clinical testing. Allele origin: germline. Observed: 13 variant alleles.

Athena Diagnostics
Classification: Benign. Last evaluated: 2018-11-05. Review status: criteria provided, single submitter. Criteria: Athena Diagnostics Criteria. Collection method: clinical testing. Allele origin: germline.

Illumina Laboratory Services, Illumina
Classification: Benign for Autosomal dominant nonsyndromic hearing loss 4A. Last evaluated: 2018-01-13. Review status: criteria provided, single submitter. Criteria: ICSL Variant Classification Criteria 13 December 2019. Collection method: clinical testing. Allele origin: germline.
Comment: This variant was observed in the ICSL laboratory as part of a predisposition screen in an ostensibly healthy population. It had not been previously curated by ICSL or reported in the Human Gene Mutation Database (HGMD: prior to June 1st, 2018), and was therefore a candidate for classification through an automated scoring system. Utilizing variant allele frequency, disease prevalence and penetrance estimates, and inheritance mode, an automated score was calculated to assess if this variant is too frequent to cause the disease. Based on the score and internal cut-off values, a variant classified as benign is not then subjected to further curation. The score for this variant resulted in a classification of benign for this disease.

Laboratory for Molecular Medicine, Mass General Brigham Personalized Medicine
Classification: Benign. Last evaluated: 2016-01-14. Review status: criteria provided, single submitter. Criteria: LMM Criteria. Collection method: clinical testing. Allele origin: germline. Observed: 8 variant alleles.
Comment: p.Gly64Gly in exon 02 of MYH14: This variant is not expected to have clinical si gnificance because it does not alter an amino acid residue, is not located withi n the splice consensus sequence, and has been identified in 0.8% (126/14052) of European American chromosomes from a broad population by the Exome Aggregation C onsortium (ExAC; dbSNP rs181055215).

Eurofins Ntd Llc (ga)
Classification: Benign. Last evaluated: 2014-12-19. Review status: criteria provided, single submitter. Criteria: EGL Classification Definitions 2015. Collection method: clinical testing. Allele origin: germline. Observed: 1 variant allele, 1 heterozygote.

Breakthrough Genomics
Classification: Likely benign. Review status: criteria provided, single submitter. Criteria: ACMG Guidelines, 2015. Collection method: not provided. Allele origin: germline. Inheritance: Autosomal dominant inheritance. Affected: yes.

PreventionGenetics, part of Exact Sciences
Classification: Likely benign. Review status: criteria provided, single submitter. Criteria: ACMG Guidelines, 2015. Collection method: clinical testing. Allele origin: germline.

Clinical Genetics DNA and cytogenetics Diagnostics Lab, Erasmus MC, Erasmus Medical Center
Classification: Benign. Review status: no assertion criteria provided. Collection method: clinical testing. Allele origin: germline. Affected: yes. Study: VKGL Data-share Consensus. Not counted in ClinVar's aggregate classification.

Clinical Genetics, Academic Medical Center
Classification: Benign. Review status: no assertion criteria provided. Collection method: clinical testing. Allele origin: germline. Affected: yes. Study: VKGL Data-share Consensus. Not counted in ClinVar's aggregate classification.